The following is an entry in ClinVar:

NM_198271.5(LMOD3):c.862A>C (p.Ser288Arg)

Gene: LMOD3 (leiomodin 3; minus strand). Cytogenetic location: 3p14.1.
Variant type: single nucleotide variant.
Coding change: c.862A>C on transcript NM_198271.5 (MANE Select); coding-DNA position 862, A replaced by C.
Protein change: p.Ser288Arg; replaces serine 288 with arginine.
Molecular consequence: missense variant.
Genome position (GRCh38, 1-based): chr3:69,119,493, T>G on the plus strand (A>C on the coding strand, the complement: LMOD3 is on the minus strand). VCF-style: chr3-69119493-T-G. GRCh37 (hg19) VCF-style: chr3-69168644-T-G.
Other names: c.862A>C, p.Ser288Arg (NM_001304418.3); short protein forms S288R.
Identifiers: ClinVar variation 1008009 (VCV001008009.2), dbSNP rs2092395759, ClinGen allele CA353474299.

ClinVar aggregate classification (germline): Uncertain significance (1 of 4 stars; one submission).

Conditions:
Nemaline myopathy 10 (NEM10). Identifiers: MedGen C4015360, MONDO:0014513, OMIM 616165.

Submission:

Labcorp Genetics (formerly Invitae), Labcorp
Classification: Uncertain significance for Nemaline myopathy 10. Last evaluated: 2021-09-01. Review status: criteria provided, single submitter. Criteria: Invitae Variant Classification Sherloc (09022015). Collection method: clinical testing. Allele origin: germline.
Comment: This sequence change replaces serine with arginine at codon 288 of the LMOD3 protein (p.Ser288Arg). The serine residue is highly conserved and there is a moderate physicochemical difference between serine and arginine. This variant is not present in population databases (ExAC no frequency). This variant has not been reported in the literature in individuals affected with LMOD3-related conditions. Algorithms developed to predict the effect of missense changes on protein structure and function (SIFT, PolyPhen-2, Align-GVGD) all suggest that this variant is likely to be disruptive. In summary, the available evidence is currently insufficient to determine the role of this variant in disease. Therefore, it has been classified as a Variant of Uncertain Significance.